The following is an entry in ClinVar:

ClinVar aggregate classification (germline): Uncertain significance (1 of 4 stars; one submission).

Conditions:
Saldino-Mainzer syndrome (SRTD9). Also called: CONORENAL SYNDROME; Renal dysplasia, retinal pigmentary dystrophy, cerebellar ataxia and skeletal dysplasia; SHORT-RIB THORACIC DYSPLASIA 9 WITHOUT POLYDACTYLY; short-rib thoracic dysplasia 9 with or without polydactyly. Identifiers: Orphanet 140969, MedGen C1849437, MONDO:0009964, OMIM 266920.

gnomAD v4.1: 3 of 1,613,828 alleles (0.00019%); highest among the groups gnomAD compares: African/African-American, 0.004%; no homozygotes.

Submission:

Labcorp Genetics (formerly Invitae), Labcorp
Classification: Uncertain significance for Saldino-Mainzer syndrome. Last evaluated: 2023-12-11. Review status: criteria provided, single submitter. Criteria: Invitae Variant Classification Sherloc (09022015). Collection method: clinical testing. Allele origin: germline.
Comment: This sequence change replaces glutamic acid, which is acidic and polar, with valine, which is neutral and non-polar, at codon 84 of the IFT140 protein (p.Glu84Val). This variant is present in population databases (rs755089438, gnomAD 0.007%). This variant has not been reported in the literature in individuals affected with IFT140-related conditions. ClinVar contains an entry for this variant (Variation ID: 2054448). Advanced modeling of protein sequence and biophysical properties (such as structural, functional, and spatial information, amino acid conservation, physicochemical variation, residue mobility, and thermodynamic stability) performed at Invitae indicates that this missense variant is not expected to disrupt IFT140 protein function with a negative predictive value of 80%. In summary, the available evidence is currently insufficient to determine the role of this variant in disease. Therefore, it has been classified as a Variant of Uncertain Significance.

NM_014714.4(IFT140):c.251A>T (p.Glu84Val)

Genes: IFT140 (intraflagellar transport 140; minus strand), LOC105371046 (uncharacterized LOC105371046; plus strand). Cytogenetic location: 16p13.3.
Variant type: single nucleotide variant.
Coding change: c.251A>T on transcript NM_014714.4 (MANE Select); coding-DNA position 251, A replaced by T.
Protein change: p.Glu84Val; replaces glutamic acid 84 with valine.
Molecular consequence: missense variant.
Genome position (GRCh38, 1-based): chr16:1,602,488, T>A on the plus strand (A>T on the coding strand, the complement: IFT140 is on the minus strand). VCF-style: chr16-1602488-T-A. GRCh37 (hg19) VCF-style: chr16-1652489-T-A.
Other names: short protein forms E84V.
Identifiers: ClinVar variation 2054448 (VCV002054448.2), dbSNP rs755089438, ClinGen allele CA7814766.